The following is an entry in ClinVar:

NM_001447.3(FAT2):c.6348C>T (p.Phe2116=)

Genes: FAT2 (FAT atypical cadherin 2; minus strand), SLC36A1 (solute carrier family 36 member 1; plus strand). Cytogenetic location: 5q33.1.
Variant type: single nucleotide variant.
Coding change: c.6348C>T on transcript NM_001447.3 (MANE Select); coding-DNA position 6348, C replaced by T.
Protein change: p.Phe2116=; no amino-acid change (phenylalanine 2116 retained).
Molecular consequence: synonymous variant.
Genome position (GRCh38, 1-based): chr5:151,544,779, G>A on the plus strand (C>T on the coding strand, the complement: FAT2 is on the minus strand). VCF-style: chr5-151544779-G-A. GRCh37 (hg19) VCF-style: chr5-150924340-G-A.
Other names: c.6348C>T (NM_001447.2).
Identifiers: ClinVar variation 2041476 (VCV002041476.6), dbSNP rs77938019, ClinGen allele CA3521123.

ClinVar aggregate classification (germline): Benign. Review status: criteria provided, single submitter (1 of 4 stars). 2 submissions from 2 submitters: Benign (1). 1 of the submissions does not count toward it. Last evaluated 2026-01-25.

Conditions:
FAT2-related disorder. Also called: FAT2-related condition.

Allele frequency attached by ClinVar (database versions not stated): 1000 Genomes Project 0.00998; 1000 Genomes Project 30x 0.01046; TOPMed 0.01125; gnomAD 0.01213; ExAC 0.01304; ESP Exome Variant Server 0.01668; gnomAD exomes 0.01752.
gnomAD v4.1: 27,483 of 1,614,138 alleles (1.7%); highest among the groups gnomAD compares: Non-Finnish European, 1.9%; 292 homozygotes.

Submissions (2):

Labcorp Genetics (formerly Invitae), Labcorp
Classification: Benign. Last evaluated: 2026-01-25. Review status: criteria provided, single submitter. Criteria: Invitae Variant Classification Sherloc (09022015). Collection method: clinical testing. Allele origin: germline.

PreventionGenetics, part of Exact Sciences
Classification: Benign for FAT2-related condition. Last evaluated: 2019-07-11. Review status: no assertion criteria provided. Collection method: clinical testing. Allele origin: germline. Not counted in ClinVar's aggregate classification.
Comment: This variant is classified as benign based on ACMG/AMP sequence variant interpretation guidelines (Richards et al. 2015 PMID: 25741868, with internal and published modifications).